The following is an entry in ClinVar:

NM_003998.4(NFKB1):c.990_991del (p.Phe331fs)

Gene: NFKB1 (nuclear factor kappa B subunit 1; plus strand). Cytogenetic location: 4q24.
Variant type: Microsatellite.
Coding change: c.990_991del on transcript NM_003998.4 (MANE Select); coding-DNA positions 990 to 991, 2 bases deleted (GT; older notation c.990_991delGT).
Protein change: p.Phe331fs; shifts the reading frame from phenylalanine 331.
Molecular consequence: frameshift variant.
Genome position (GRCh38, 1-based): chr4:102,584,744-102,584,745, GT deleted; deleting any 2 consecutive bases within chr4:102,584,741-102,584,745 gives the same sequence; the c. name uses the placement nearest the transcript's 3' end. VCF-style (leftmost placement, unchanged base first): chr4-102584740-CTG-C. GRCh37 (hg19) VCF-style: chr4-103505897-CTG-C.
Other names: c.987_988del, p.Phe330fs (NM_001165412.2, NM_001319226.2, NM_001382627.1); c.990_991del, p.Phe331fs (NM_001382625.1, NM_001382626.1); c.948_949del, p.Phe317fs (NM_001382628.1); short protein forms F317fs, F330fs, F331fs.
Identifiers: ClinVar variation 4731608 (VCV004731608.1).

ClinVar aggregate classification (germline): Pathogenic (1 of 4 stars; one submission).

Submission:

Labcorp Genetics (formerly Invitae), Labcorp
Classification: Pathogenic. Last evaluated: 2025-12-01. Review status: criteria provided, single submitter. Criteria: Invitae Variant Classification Sherloc (09022015). Collection method: clinical testing. Allele origin: germline.
Comment: This sequence change creates a premature translational stop signal (p.Phe331Cysfs*8) in the NFKB1 gene. It is expected to result in an absent or disrupted protein product. Loss-of-function variants in NFKB1 are known to be pathogenic (PMID: 26279205, 29477724). This variant is not present in population databases (gnomAD no frequency). This variant has not been reported in the literature in individuals affected with NFKB1-related conditions. Algorithms developed to predict the effect of sequence changes on RNA splicing suggest that this variant may disrupt the consensus splice site. For these reasons, this variant has been classified as Pathogenic.

Literature cited by the submitters: PubMed 26279205; PubMed 29477724.